The following is an entry in ClinVar:

ClinVar aggregate classification (germline): Pathogenic (1 of 4 stars; one submission).

Conditions:
LAMA2-related muscular dystrophy (LAMA2-RD). Also called: Laminin alpha 2-related dystrophy. Identifiers: MedGen C5679788, MONDO:0100228.

Submission:

Labcorp Genetics (formerly Invitae), Labcorp
Classification: Pathogenic for LAMA2-related muscular dystrophy. Last evaluated: 2022-08-30. Review status: criteria provided, single submitter. Criteria: Invitae Variant Classification Sherloc (09022015). Collection method: clinical testing. Allele origin: germline.
Comment: For these reasons, this variant has been classified as Pathogenic. Algorithms developed to predict the effect of sequence changes on RNA splicing suggest that this variant may disrupt the consensus splice site. Advanced modeling of protein sequence and biophysical properties (such as structural, functional, and spatial information, amino acid conservation, physicochemical variation, residue mobility, and thermodynamic stability) performed at Invitae indicates that this missense variant is expected to disrupt LAMA2 protein function. ClinVar contains an entry for this variant (Variation ID: 1454357). This missense change has been observed in individual(s) with clinical features of LAMA2-related conditions (PMID: 21922472). In at least one individual the data is consistent with being in trans (on the opposite chromosome) from a pathogenic variant. It has also been observed to segregate with disease in related individuals. This variant is not present in population databases (gnomAD no frequency). This sequence change replaces cysteine, which is neutral and slightly polar, with glycine, which is neutral and non-polar, at codon 393 of the LAMA2 protein (p.Cys393Gly).

Literature cited by the submitters: PubMed 21922472.

NM_000426.4(LAMA2):c.1177T>G (p.Cys393Gly)

Gene: LAMA2 (laminin subunit alpha 2; plus strand). Cytogenetic location: 6q22.33.
Variant type: single nucleotide variant.
Coding change: c.1177T>G on transcript NM_000426.4 (MANE Select); coding-DNA position 1177, T replaced by G.
Protein change: p.Cys393Gly; replaces cysteine 393 with glycine.
Molecular consequence: missense variant.
Genome position (GRCh38, 1-based): chr6:129,154,654, T>G. VCF-style: chr6-129154654-T-G. GRCh37 (hg19) VCF-style: chr6-129475799-T-G.
Other names: c.1177T>G, p.Cys393Gly (NM_001079823.2); short protein forms C393G.
Identifiers: ClinVar variation 1454357 (VCV001454357.6), dbSNP rs2114976490, ClinGen allele CA365607087.
Genomic context (GRCh38, chr6:129,154,654, plus strand): 5'-ATTGGAGGGGGTGTCTGCATTAATTGTACCCAAAACACTGCTGGTATAAACTGCGAGACA[T>G]GTACTGATGGCTTCTTCAGACCCAAAGGGGTAAAGTATGCTTTTTCTTTCATAAAGAGTT-3'
Protein context (NP_000417.3, residues 383-403): QNTAGINCET[Cys393Gly]TDGFFRPKGV